The following is an entry in ClinVar:

ClinVar aggregate classification (germline): Uncertain significance (1 of 4 stars; one submission).

Conditions:
Sandhoff disease. Also called: GM2-GANGLIOSIDOSIS, TYPE II; HEXOSAMINIDASES A AND B DEFICIENCY; Beta-hexosaminidase-beta-subunit deficiency; GM2 gangliosidosis, type 2; Total hexosaminidase deficiency; Sandhoff-Jatzkewitz-Pilz disease. Identifiers: Orphanet 796, MedGen C0036161, MONDO:0010006, OMIM 268800.

Allele frequency attached by ClinVar (database versions not stated): gnomAD exomes below 0.00001; gnomAD 0.00001; ExAC 0.00002.

Submission:

Labcorp Genetics (formerly Invitae), Labcorp
Classification: Uncertain significance for Sandhoff disease. Last evaluated: 2022-07-11. Review status: criteria provided, single submitter. Criteria: Invitae Variant Classification Sherloc (09022015). Collection method: clinical testing. Allele origin: germline.
Comment: This sequence change replaces leucine, which is neutral and non-polar, with phenylalanine, which is neutral and non-polar, at codon 498 of the HEXB protein (p.Leu498Phe). This variant is present in population databases (rs746313643, gnomAD 0.01%). This variant has not been reported in the literature in individuals affected with HEXB-related conditions. Advanced modeling of protein sequence and biophysical properties (such as structural, functional, and spatial information, amino acid conservation, physicochemical variation, residue mobility, and thermodynamic stability) performed at Invitae indicates that this missense variant is not expected to disrupt HEXB protein function. In summary, the available evidence is currently insufficient to determine the role of this variant in disease. Therefore, it has been classified as a Variant of Uncertain Significance.

NM_000521.4(HEXB):c.1492C>T (p.Leu498Phe)

Gene: HEXB (hexosaminidase subunit beta; plus strand). Cytogenetic location: 5q13.3.
Variant type: single nucleotide variant.
Coding change: c.1492C>T on transcript NM_000521.4 (MANE Select); coding-DNA position 1492, C replaced by T.
Protein change: p.Leu498Phe; replaces leucine 498 with phenylalanine.
Molecular consequence: missense variant.
Genome position (GRCh38, 1-based): chr5:74,720,502, C>T. VCF-style: chr5-74720502-C-T. GRCh37 (hg19) VCF-style: chr5-74016327-C-T.
Other names: c.817C>T, p.Leu273Phe (NM_001292004.2); short protein forms L498F, L273F.
Identifiers: ClinVar variation 2016136 (VCV002016136.1), dbSNP rs746313643, ClinGen allele CA3306160.